The following is an entry in ClinVar:

NM_001849.4(COL6A2):c.954+1G>C

Gene: COL6A2 (collagen type VI alpha 2 chain; plus strand). Cytogenetic location: 21q22.3.
Variant type: single nucleotide variant.
Coding change: c.954+1G>C on transcript NM_001849.4 (MANE Select); the canonical splice donor site of the intron after coding-DNA position 954, G replaced by C.
Molecular consequence: splice donor variant.
Genome position (GRCh38, 1-based): chr21:46,116,678, G>C. VCF-style: chr21-46116678-G-C. GRCh37 (hg19) VCF-style: chr21-47536592-G-C.
Other names: c.954+1G>C (NM_058175.3, NM_058174.3).
Identifiers: ClinVar variation 1524770 (VCV001524770.8), dbSNP rs2123628251, ClinGen allele CA410527051.

ClinVar aggregate classification (germline): Likely pathogenic (1 of 4 stars; one submission).

Conditions:
Bethlem myopathy 1A. Also called: MYOPATHY, BENIGN CONGENITAL, WITH CONTRACTURES; Bethlem myopathy 1; Bethlem Muscular Dystrophy. Identifiers: Orphanet 610, MedGen CN029274, MONDO:0024530, OMIM 158810.

Submission:

Labcorp Genetics (formerly Invitae), Labcorp
Classification: Likely pathogenic for Bethlem myopathy 1A. Last evaluated: 2021-03-01. Review status: criteria provided, single submitter. Criteria: Invitae Variant Classification Sherloc (09022015). Collection method: clinical testing. Allele origin: germline.
Comment: This sequence change affects a donor splice site in intron 9 of the COL6A2 gene. It is expected to disrupt RNA splicing. Variants that disrupt the donor or acceptor splice site typically lead to a loss of protein function (PMID: 16199547), and loss-of-function variants in COL6A2 are known to be disease-causing for autosomal recessive COL6A2 conditions (PMID: 21280092, 20976770). However, certain variants affecting donor or acceptor splice sites in the triple helical domain of COL6A2 are expected to result in in-frame exon skipping and have been reported to cause autosomal dominant COL6A2-related conditions (PMID: 18366090). This variant is not present in population databases (ExAC no frequency). This variant has been observed in individual(s) with clinical features of autosomal dominant COL6A2-related conditions (Invitae). Algorithms developed to predict the effect of sequence changes on RNA splicing suggest that this variant may disrupt the consensus splice site, but this prediction has not been confirmed by published transcriptional studies. In summary, the currently available evidence indicates that the variant is pathogenic, but additional data are needed to prove that conclusively. Therefore, this variant has been classified as Likely Pathogenic.

Literature cited by the submitters: PubMed 16199547; PubMed 21280092; PubMed 20976770; PubMed 18366090.